The following is an entry in ClinVar:

ClinVar aggregate classification (germline): Uncertain significance. Review status: criteria provided, multiple submitters, no conflicts (2 of 4 stars). 2 submissions from 2 submitters: Uncertain significance (2). Last evaluated 2024-06-25.

Submissions (2):

Ambry Genetics
Classification: Uncertain significance. Last evaluated: 2024-06-25. Review status: criteria provided, single submitter. Criteria: Ambry Variant Classification Scheme 2023. Collection method: clinical testing. Allele origin: germline.
Comment: The p.S333T variant (also known as c.998G>C), located in coding exon 8 of the RECQL gene, results from a G to C substitution at nucleotide position 998. The serine at codon 333 is replaced by threonine, an amino acid with similar properties. This amino acid position is well conserved in available vertebrate species. In addition, this alteration is predicted to be tolerated by in silico analysis. The evidence for this gene-disease relationship is limited; therefore, the clinical significance of this alteration is unclear.

Labcorp Genetics (formerly Invitae), Labcorp
Classification: Uncertain significance. Last evaluated: 2021-03-13. Review status: criteria provided, single submitter. Criteria: Invitae Variant Classification Sherloc (09022015). Collection method: clinical testing. Allele origin: germline.
Comment: In summary, the available evidence is currently insufficient to determine the role of this variant in disease. Therefore, it has been classified as a Variant of Uncertain Significance. Algorithms developed to predict the effect of missense changes on protein structure and function (SIFT, PolyPhen-2, Align-GVGD) all suggest that this variant is likely to be tolerated, but these predictions have not been confirmed by published functional studies and their clinical significance is uncertain. This variant has not been reported in the literature in individuals with RECQL-related conditions. This variant is not present in population databases (ExAC no frequency). This sequence change replaces serine with threonine at codon 333 of the RECQL protein (p.Ser333Thr). The serine residue is moderately conserved and there is a small physicochemical difference between serine and threonine.

NM_002907.4(RECQL):c.998G>C (p.Ser333Thr)

Gene: RECQL (RecQ like helicase; minus strand). Cytogenetic location: 12p12.1.
Variant type: single nucleotide variant.
Coding change: c.998G>C on transcript NM_002907.4 (MANE Select); coding-DNA position 998, G replaced by C.
Protein change: p.Ser333Thr; replaces serine 333 with threonine.
Molecular consequence: missense variant.
Genome position (GRCh38, 1-based): chr12:21,475,776, C>G on the plus strand (G>C on the coding strand, the complement: RECQL is on the minus strand). VCF-style: chr12-21475776-C-G. GRCh37 (hg19) VCF-style: chr12-21628710-C-G.
Other names: c.998G>C, p.Ser333Thr (NM_032941.3); short protein forms S333T.
Identifiers: ClinVar variation 1448146 (VCV001448146.11), dbSNP rs2137340490, ClinGen allele CA384121915.
Genomic context (GRCh38, chr12:21,475,776, plus strand): 5'-TTATCTTCTGGCTCCAAATTGGCATGGTAAGCACCTGCATGAATTCCCAGATTCTGCAAA[C>G]TAACCGTAACTTGTTCAGAGTCTTTCTGAGAAAAACAATATATGATTCCTGCAGTAAAAT-3'
Protein context (NP_002898.2, residues 323-343): SQKDSEQVTV[Ser333Thr]LQNLGIHAGA